The following is an entry in ClinVar:

ClinVar aggregate classification (germline): Pathogenic. Review status: criteria provided, multiple submitters, no conflicts (2 of 4 stars). 2 submissions from 2 submitters: Pathogenic (2). Last evaluated 2024-10-29.

Conditions:
Multiple congenital exostosis (EXT). Also called: Hereditary multiple exostoses; Hereditary multiple exostosis; MULTIPLE CARTILAGINOUS EXOSTOSES; Multiple exostoses; Multiple osteochondromas; Hereditary multiple osteochondromas. Identifiers: Orphanet 321, MedGen C0015306, MONDO:0005508, HP:0002762.
Exostoses, multiple, type 1 (EXT1). Also called: EXOSTOSES, MULTIPLE, TYPE I; Hereditary Multiple Osteochondromatosis, Type I. Identifiers: MedGen CN263289, MONDO:0007585, OMIM 133700.

Submissions (2):

Labcorp Genetics (formerly Invitae), Labcorp
Classification: Pathogenic for Multiple congenital exostosis. Last evaluated: 2024-10-29. Review status: criteria provided, single submitter. Criteria: Invitae Variant Classification Sherloc (09022015). Collection method: clinical testing. Allele origin: germline.
Comment: This sequence change creates a premature translational stop signal (p.Gln165*) in the EXT1 gene. It is expected to result in an absent or disrupted protein product. Loss-of-function variants in EXT1 are known to be pathogenic (PMID: 10679937, 11391482, 19810120). This variant is not present in population databases (gnomAD no frequency). This premature translational stop signal has been observed in individual(s) with multiple osteochondromas (PMID: 16088908, 37317574). For these reasons, this variant has been classified as Pathogenic.

Clinical Biomedical Laboratory, Shriners Hospital For Children - Canada
Classification: Pathogenic for Exostoses, multiple, type 1. Last evaluated: 2024-06-11. Review status: criteria provided, single submitter. Criteria: ACMG Guidelines, 2015. Collection method: clinical testing. Allele origin: germline. Affected: yes. Observed: 1 heterozygote.
Comment: EXT1 is associated with multiple exostoses, an autosomal dominant disorder (PMID: 26961984, 23262345). This variant is predicted to introduce a premature stop codon in exon 1 of EXT1. This specific variant is absent from general population databases (Genome Aggregation Database v2.1.1), indicating it is not a common polymorphism. The variant has not been reported in ClinVar. This specific variant has been reported in the literature (PMID: 26961984) and in the Leiden Open Variation database V3. Premature stop codons in EXT1 are a frequent cause of multiple exostoses. Based on the ACMG variant interpretation guidelines, the available evidence supports classification of this variant as pathogenic.

Literature cited by the submitters: PubMed 10679937 (cited by Labcorp Genetics (formerly Invitae), Labcorp); PubMed 11391482 (cited by Labcorp Genetics (formerly Invitae), Labcorp); PubMed 19810120 (cited by Labcorp Genetics (formerly Invitae), Labcorp); PubMed 16088908 (cited by Labcorp Genetics (formerly Invitae), Labcorp); PubMed 37317574 (cited by Labcorp Genetics (formerly Invitae), Labcorp); PubMed 26961984 (cited by Clinical Biomedical Laboratory, Shriners Hospital For Children - Canada); PubMed 23262345 (cited by Clinical Biomedical Laboratory, Shriners Hospital For Children - Canada).

NM_000127.3(EXT1):c.493C>T (p.Gln165Ter)

Gene: EXT1 (exostosin glycosyltransferase 1; minus strand). Cytogenetic location: 8q24.11.
Variant type: single nucleotide variant.
Coding change: c.493C>T on transcript NM_000127.3 (MANE Select); coding-DNA position 493, C replaced by T.
Protein change: p.Gln165Ter; replaces glutamine 165 with a stop codon.
Molecular consequence: nonsense.
Genome position (GRCh38, 1-based): chr8:118,110,554, G>A on the plus strand (C>T on the coding strand, the complement: EXT1 is on the minus strand). VCF-style: chr8-118110554-G-A. GRCh37 (hg19) VCF-style: chr8-119122793-G-A.
Other names: short protein forms Q165*.
Identifiers: ClinVar variation 3385319 (VCV003385319.3).